The following is an entry in ClinVar:

NM_138773.4(SLC25A46):c.100A>G (p.Ser34Gly)

Gene: SLC25A46 (solute carrier family 25 member 46; plus strand). Cytogenetic location: 5q22.1.
Variant type: single nucleotide variant.
Coding change: c.100A>G on transcript NM_138773.4 (MANE Select); coding-DNA position 100, A replaced by G.
Protein change: p.Ser34Gly; replaces serine 34 with glycine.
Molecular consequence: missense variant. On other transcripts: non-coding transcript variant (1), intron variant (1).
Genome position (GRCh38, 1-based): chr5:110,739,219, A>G. VCF-style: chr5-110739219-A-G. GRCh37 (hg19) VCF-style: chr5-110074920-A-G.
Other names: c.100A>G, p.Ser34Gly (NM_001303249.3); c.10+972A>G (NM_001303250.3); short protein forms S34G.
Identifiers: ClinVar variation 664148 (VCV000664148.9), dbSNP rs1580850073, ClinGen allele CA360693143.

ClinVar aggregate classification (germline): Uncertain significance (1 of 4 stars; one submission).

Conditions:
Neuropathy, hereditary motor and sensory, type 6B (HMSN6B). Also called: HMSN VIB; CHARCOT-MARIE-TOOTH DISEASE, TYPE 6B; NEUROPATHY, HEREDITARY MOTOR AND SENSORY, TYPE VIB, WITH OPTIC ATROPHY; Neuropathy, hereditary motor and sensory, type VIB. Identifiers: MedGen C4225302, MONDO:0014671, OMIM 616505.

Allele frequency attached by ClinVar (database versions not stated): gnomAD exomes below 0.00001.
gnomAD v4.1: 1 of 1,574,010 alleles (0.000064%); highest among the groups gnomAD compares: Non-Finnish European, 0.000086%; no homozygotes.

Submission:

Labcorp Genetics (formerly Invitae), Labcorp
Classification: Uncertain significance for Neuropathy, hereditary motor and sensory, type 6B. Last evaluated: 2023-11-27. Review status: criteria provided, single submitter. Criteria: Invitae Variant Classification Sherloc (09022015). Collection method: clinical testing. Allele origin: germline.
Comment: This sequence change replaces serine, which is neutral and polar, with glycine, which is neutral and non-polar, at codon 34 of the SLC25A46 protein (p.Ser34Gly). This variant is not present in population databases (gnomAD no frequency). This variant has not been reported in the literature in individuals affected with SLC25A46-related conditions. ClinVar contains an entry for this variant (Variation ID: 664148). Algorithms developed to predict the effect of missense changes on protein structure and function output the following: SIFT: "Not Available"; PolyPhen-2: "Benign"; Align-GVGD: "Not Available". The glycine amino acid residue is found in multiple mammalian species, which suggests that this missense change does not adversely affect protein function. In summary, the available evidence is currently insufficient to determine the role of this variant in disease. Therefore, it has been classified as a Variant of Uncertain Significance.